The following is an entry in ClinVar:

NM_006915.3(RP2):c.913del (p.Asp305fs)

Gene: RP2 (RP2 activator of ARL3 GTPase; plus strand). Cytogenetic location: Xp11.3.
Variant type: Deletion.
Coding change: c.913del on transcript NM_006915.3 (MANE Select); coding-DNA position 913, one base deleted (G; older notation c.913delG).
Protein change: p.Asp305fs; shifts the reading frame from aspartic acid 305.
Molecular consequence: frameshift variant.
Genome position (GRCh38, 1-based): chrX:46,877,534, G deleted; the last of 4 consecutive G bases (chrX:46,877,531-46,877,534); deleting any one gives the same sequence. VCF-style (leftmost placement, unchanged base first): chrX-46877530-TG-T. GRCh37 (hg19) VCF-style: chrX-46736965-TG-T.
Other names: short protein forms D305fs.
Identifiers: ClinVar variation 2807593 (VCV002807593.3), dbSNP rs2519928496, ClinGen allele CA1139655396.

ClinVar aggregate classification (germline): Pathogenic (1 of 4 stars; one submission).

Submission:

Labcorp Genetics (formerly Invitae), Labcorp
Classification: Pathogenic. Last evaluated: 2023-08-27. Review status: criteria provided, single submitter. Criteria: Invitae Variant Classification Sherloc (09022015). Collection method: clinical testing. Allele origin: germline.
Comment: This sequence change creates a premature translational stop signal (p.Asp305Metfs*4) in the RP2 gene. While this is not anticipated to result in nonsense mediated decay, it is expected to disrupt the last 46 amino acid(s) of the RP2 protein. This variant is not present in population databases (gnomAD no frequency). This variant has not been reported in the literature in individuals affected with RP2-related conditions. This variant disrupts a region of the RP2 protein in which other variant(s) (p.Asn316*) have been determined to be pathogenic (PMID: 18552978, 30029497, 32856788; Invitae). This suggests that this is a clinically significant region of the protein, and that variants that disrupt it are likely to be disease-causing. For these reasons, this variant has been classified as Pathogenic.

Literature cited by the submitters: PubMed 18552978; PubMed 30029497; PubMed 32856788.